The following is an entry in ClinVar:

ClinVar aggregate classification (germline): Uncertain significance. Review status: criteria provided, multiple submitters, no conflicts (2 of 4 stars). 2 submissions from 2 submitters: Uncertain significance (2). Last evaluated 2025-08-30.

Conditions:
Hereditary cancer-predisposing syndrome. Also called: Neoplastic Syndromes, Hereditary; Hereditary neoplastic syndrome; Tumor predisposition; Hereditary Cancer Syndrome. Identifiers: Orphanet 140162, MedGen C0027672, MeSH D009386, MONDO:0015356.
EGFR-related lung cancer (EGFR). Identifiers: MedGen CN130014.

Submissions (2):

Labcorp Genetics (formerly Invitae), Labcorp
Classification: Uncertain significance for EGFR-related lung cancer. Last evaluated: 2025-08-30. Review status: criteria provided, single submitter. Criteria: Invitae Variant Classification Sherloc (09022015). Collection method: clinical testing. Allele origin: germline.
Comment: This sequence change replaces asparagine, which is neutral and polar, with tyrosine, which is neutral and polar, at codon 413 of the EGFR protein (p.Asn413Tyr). This variant is not present in population databases (gnomAD no frequency). This variant has not been reported in the literature in individuals affected with EGFR-related conditions. ClinVar contains an entry for this variant (Variation ID: 1393712). Invitae Evidence Modeling of protein sequence and biophysical properties (such as structural, functional, and spatial information, amino acid conservation, physicochemical variation, residue mobility, and thermodynamic stability) indicates that this missense variant is not expected to disrupt EGFR protein function with a negative predictive value of 80%. In summary, the available evidence is currently insufficient to determine the role of this variant in disease. Therefore, it has been classified as a Variant of Uncertain Significance.

Ambry Genetics
Classification: Uncertain significance for Hereditary cancer-predisposing syndrome. Last evaluated: 2025-03-30. Review status: criteria provided, single submitter. Criteria: Ambry Variant Classification Scheme 2023. Collection method: clinical testing. Allele origin: germline.
Comment: The p.N413Y variant (also known as c.1237A>T), located in coding exon 11 of the EGFR gene, results from an A to T substitution at nucleotide position 1237. The asparagine at codon 413 is replaced by tyrosine, an amino acid with dissimilar properties. This amino acid position is conserved. In addition, this alteration is predicted to be deleterious by in silico analysis. Based on the available evidence, the clinical significance of this variant remains unclear.

NM_005228.5(EGFR):c.1237A>T (p.Asn413Tyr)

Gene: EGFR (epidermal growth factor receptor; plus strand). Cytogenetic location: 7p11.2.
Variant type: single nucleotide variant.
Coding change: c.1237A>T on transcript NM_005228.5 (MANE Select); coding-DNA position 1237, A replaced by T.
Protein change: p.Asn413Tyr; replaces asparagine 413 with tyrosine.
Molecular consequence: missense variant.
Genome position (GRCh38, 1-based): chr7:55,157,692, A>T. VCF-style: chr7-55157692-A-T. GRCh37 (hg19) VCF-style: chr7-55225385-A-T.
Other names: c.1237A>T (NM_005228.3); c.1102A>T, p.Asn368Tyr (NM_001346897.2, NM_001346899.2); c.1237A>T, p.Asn413Tyr (NM_001346898.2, NM_201282.2, NM_201284.2); c.1078A>T, p.Asn360Tyr (NM_001346900.2); c.436A>T, p.Asn146Tyr (NM_001346941.2); short protein forms N368Y, N413Y, N146Y, N360Y.
Identifiers: ClinVar variation 1393712 (VCV001393712.9), dbSNP rs895496054, ClinGen allele CA158915088.